The following is an entry in ClinVar:

NM_017950.4(CCDC40):c.946G>A (p.Ala316Thr)

Gene: CCDC40 (coiled-coil domain 40 molecular ruler complex subunit; plus strand). Cytogenetic location: 17q25.3.
Variant type: single nucleotide variant.
Coding change: c.946G>A on transcript NM_017950.4 (MANE Select); coding-DNA position 946, G replaced by A.
Protein change: p.Ala316Thr; replaces alanine 316 with threonine.
Molecular consequence: missense variant.
Genome position (GRCh38, 1-based): chr17:80,050,070, G>A. VCF-style: chr17-80050070-G-A. GRCh37 (hg19) VCF-style: chr17-78023869-G-A.
Other names: p.Ala316Thr; c.946G>A, p.Ala316Thr (NM_001243342.2, NM_001330508.2); short protein forms A316T.
Identifiers: ClinVar variation 260982 (VCV000260982.25), dbSNP rs61998241, ClinGen allele CA8813633.
Genomic context (GRCh38, chr17:80,050,070, plus strand): 5'-CCACCCTGGTCGGATGCCTGCGTCCTGGTGACCCTGTTTCTCTCTTTGGTCCAGGTTGTG[G>A]CTACCAAGCAGAGCCGAGCCCAGCGGCAGGAGCTGGGGGTGAATCTCTATGAGGTGCAGC-3'
Protein context (NP_060420.2, residues 306-326): LKLDLQELVV[Ala316Thr]TKQSRAQRQE

ClinVar aggregate classification (germline): Benign. Review status: criteria provided, multiple submitters, no conflicts (2 of 4 stars). 8 submissions from 8 submitters: Benign (8). Last evaluated 2026-02-03.

Conditions:
Primary ciliary dyskinesia. Also called: Ciliary dyskinesia. Identifiers: Orphanet 244, MedGen C0008780, MONDO:0016575, HP:0012265.
Primary ciliary dyskinesia 15. Also called: CILIARY DYSKINESIA, PRIMARY, 15, WITH OR WITHOUT SITUS INVERSUS. Identifiers: Orphanet 244, MedGen C3151137, MONDO:0013435, OMIM 613808.

Allele frequency attached by ClinVar (database versions not stated): gnomAD 0.01575 and 0.01690; 1000 Genomes Project 0.01717; TOPMed 0.01799; ESP Exome Variant Server 0.01804; 1000 Genomes Project 30x 0.01905; gnomAD exomes 0.00149 and 0.00409; ExAC 0.00504.
gnomAD v4.1: 4,688 of 1,613,928 alleles (0.29%); highest among the groups gnomAD compares: African/African-American, 5.4%; 123 homozygotes.

Submissions (8):

Labcorp Genetics (formerly Invitae), Labcorp
Classification: Benign for Primary ciliary dyskinesia. Last evaluated: 2026-02-03. Review status: criteria provided, single submitter. Criteria: Invitae Variant Classification Sherloc (09022015). Collection method: clinical testing. Allele origin: germline.

ARUP Laboratories, Molecular Genetics and Genomics, ARUP Laboratories
Classification: Benign for Primary ciliary dyskinesia 15. Last evaluated: 2025-05-07. Review status: criteria provided, single submitter. Criteria: ARUP Molecular Germline Variant Investigation Process 2024. Collection method: clinical testing. Allele origin: germline.

Mayo Clinic Laboratories, Mayo Clinic
Classification: Benign. Last evaluated: 2023-06-17. Review status: criteria provided, single submitter. Criteria: ACMG Guidelines, 2015. Collection method: clinical testing. Allele origin: germline. Observed: 2 variant alleles.

GeneDx
Classification: Benign. Last evaluated: 2018-07-14. Review status: criteria provided, single submitter. Criteria: GeneDx Variant Classification Process June 2021. Collection method: clinical testing. Allele origin: germline. Affected: yes.

Illumina Laboratory Services, Illumina
Classification: Benign for Primary ciliary dyskinesia 15. Last evaluated: 2018-01-13. Review status: criteria provided, single submitter. Criteria: ICSL Variant Classification Criteria 13 December 2019. Collection method: clinical testing. Allele origin: germline.
Comment: This variant was observed in the ICSL laboratory as part of a predisposition screen in an ostensibly healthy population. It had not been previously curated by ICSL or reported in the Human Gene Mutation Database (HGMD: prior to June 1st, 2018), and was therefore a candidate for classification through an automated scoring system. Utilizing variant allele frequency, disease prevalence and penetrance estimates, and inheritance mode, an automated score was calculated to assess if this variant is too frequent to cause the disease. Based on the score and internal cut-off values, a variant classified as benign is not then subjected to further curation. The score for this variant resulted in a classification of benign for this disease.

Ambry Genetics
Classification: Benign for Primary ciliary dyskinesia. Last evaluated: 2016-12-22. Review status: criteria provided, single submitter. Criteria: Ambry Variant Classification Scheme 2023. Collection method: clinical testing. Allele origin: germline.

Breakthrough Genomics
Classification: Benign. Review status: criteria provided, single submitter. Criteria: ACMG Guidelines, 2015. Collection method: not provided. Allele origin: germline. Inheritance: Autosomal recessive inheritance. Affected: yes.

PreventionGenetics, part of Exact Sciences
Classification: Benign. Review status: criteria provided, single submitter. Criteria: ACMG Guidelines, 2015. Collection method: clinical testing. Allele origin: germline.